The following is an entry in ClinVar:

ClinVar aggregate classification (germline): Uncertain significance (1 of 4 stars; one submission).

Submission:

Women's Health and Genetics/Laboratory Corporation of America, LabCorp
Classification: Uncertain significance. Last evaluated: 2023-10-03. Review status: criteria provided, single submitter. Criteria: LabCorp Variant Classification Summary - May 2015. Collection method: clinical testing. Allele origin: germline.
Comment: Variant summary: MYCN c.354C>A (p.Ser118Arg) results in a non-conservative amino acid change located in the N-terminal domain (IPR012682) of the encoded protein sequence. Four of five in-silico tools predict a damaging effect of the variant on protein function. The variant was absent in 224726 control chromosomes (gnomAD). The available data on variant occurrences in the general population are insufficient to allow any conclusion about variant significance. To our knowledge, no occurrence of c.354C>A in individuals affected with Feingold Syndrome Type 1 and no experimental evidence demonstrating its impact on protein function have been reported. No submitters have cited clinical-significance assessments for this variant to ClinVar after 2014. Based on the evidence outlined above, the variant was classified as uncertain significance.

NM_005378.6(MYCN):c.354C>A (p.Ser118Arg)

Genes: MYCN (MYCN proto-oncogene, bHLH transcription factor; plus strand), MYCNOS (MYCN opposite strand; minus strand). Cytogenetic location: 2p24.3.
Variant type: single nucleotide variant.
Coding change: c.354C>A on transcript NM_005378.6 (MANE Select); coding-DNA position 354, C replaced by A.
Protein change: p.Ser118Arg; replaces serine 118 with arginine.
Molecular consequence: missense variant. On other transcripts: non-coding transcript variant (1), 3 prime UTR variant (1), intron variant (1).
Genome position (GRCh38, 1-based): chr2:15,942,418, C>A. VCF-style: chr2-15942418-C-A. GRCh37 (hg19) VCF-style: chr2-16082540-C-A.
Other names: c.354C>A, p.Ser118Arg (NM_001293228.2); c.*289C>A (NM_001293233.2); c.157+1675C>A (NM_001293231.2); short protein forms S118R.
Identifiers: ClinVar variation 2637489 (VCV002637489.1), dbSNP rs748734356, ClinGen allele CA345930708.